The following is an entry in ClinVar:

ClinVar aggregate classification (germline): Benign. Review status: criteria provided, single submitter (1 of 4 stars). 2 submissions from 1 submitter: Benign (2). Last evaluated 2018-01-13.

Conditions:
Chondrocalcinosis 2. Also called: CALCIUM GOUT; CALCIUM PYROPHOSPHATE ARTHROPATHY; Familial calcium pyrophosphate deposition. Identifiers: Orphanet 1416, MedGen C0856830, MONDO:0007319, OMIM 118600.
Craniometaphyseal dysplasia, autosomal dominant (CMDD). Identifiers: Orphanet 1522, MedGen C1852502, MONDO:0007397, OMIM 123000.

Allele frequency attached by ClinVar (database versions not stated): 1000 Genomes Project 30x 0.00078; 1000 Genomes Project 0.00100; TOPMed 0.00351; gnomAD 0.00395 and 0.00411.

Submissions (2):

Illumina Laboratory Services, Illumina
Classification: Benign for Craniometaphyseal dysplasia, autosomal dominant. Last evaluated: 2018-01-13. Review status: criteria provided, single submitter. Criteria: ICSL Variant Classification Criteria 13 December 2019. Collection method: clinical testing. Allele origin: germline.
Comment: This variant was observed in the ICSL laboratory as part of a predisposition screen in an ostensibly healthy population. It had not been previously curated by ICSL or reported in the Human Gene Mutation Database (HGMD: prior to June 1st, 2018), and was therefore a candidate for classification through an automated scoring system. Utilizing variant allele frequency, disease prevalence and penetrance estimates, and inheritance mode, an automated score was calculated to assess if this variant is too frequent to cause the disease. Based on the score and internal cut-off values, a variant classified as benign is not then subjected to further curation. The score for this variant resulted in a classification of benign for this disease.

Illumina Laboratory Services, Illumina
Classification: Benign for Chondrocalcinosis 2. Last evaluated: 2018-01-13. Review status: criteria provided, single submitter. Criteria: ICSL Variant Classification Criteria 13 December 2019. Collection method: clinical testing. Allele origin: germline.
Comment: the same text as in the submission from Illumina Laboratory Services, Illumina above.

NM_054027.6(ANKH):c.*6163A>G

Genes: ANKH (ANKH inorganic pyrophosphate transport regulator; minus strand), OTULIN (OTU deubiquitinase with linear linkage specificity; plus strand). Cytogenetic location: 5p15.2.
Variant type: single nucleotide variant.
Coding change: c.*6163A>G on transcript NM_054027.6 (MANE Select); 6163 bases downstream of the stop codon, A replaced by G.
Molecular consequence: 3 prime UTR variant.
Genome position (GRCh38, 1-based): chr5:14,705,034, T>C on the plus strand (A>G on the coding strand, the complement: ANKH is on the minus strand). VCF-style: chr5-14705034-T-C. GRCh37 (hg19) VCF-style: chr5-14705143-T-C.
Identifiers: ClinVar variation 351389 (VCV000351389.5), dbSNP rs182300014, ClinGen allele CA10619260.